The following is an entry in ClinVar:

NM_014712.3(SETD1A):c.1915G>T (p.Asp639Tyr)

Gene: SETD1A (SET domain containing 1A, histone lysine methyltransferase; plus strand). Cytogenetic location: 16p11.2.
Variant type: single nucleotide variant.
Coding change: c.1915G>T on transcript NM_014712.3 (MANE Select); coding-DNA position 1915, G replaced by T.
Protein change: p.Asp639Tyr; replaces aspartic acid 639 with tyrosine.
Molecular consequence: missense variant.
Genome position (GRCh38, 1-based): chr16:30,965,796, G>T. VCF-style: chr16-30965796-G-T. GRCh37 (hg19) VCF-style: chr16-30977117-G-T.
Other names: short protein forms D639Y.
Identifiers: ClinVar variation 3893606 (VCV003893606.1).

ClinVar aggregate classification (germline): Uncertain significance (1 of 4 stars; one submission).

Submission:

GeneDx
Classification: Uncertain significance. Last evaluated: 2024-10-26. Review status: criteria provided, single submitter. Criteria: GeneDx Variant Classification Process June 2021. Collection method: clinical testing. Allele origin: germline. Affected: yes.
Comment: Not observed at significant frequency in large population cohorts (gnomAD); In silico analysis indicates that this missense variant does not alter protein structure/function; Has not been previously published as pathogenic or benign to our knowledge